The following is an entry in ClinVar:

NM_152443.3(RDH12):c.759dup (p.Phe254fs)

Genes: GPHN (gephyrin; plus strand), RDH12 (retinol dehydrogenase 12; plus strand), ZFYVE26 (zinc finger FYVE-type containing 26; minus strand). Cytogenetic location: 14q24.1.
Variant type: Duplication.
Coding change: c.759dup on transcript NM_152443.3 (MANE Select); coding-DNA position 759, one base duplicated (C; older notation c.759dupC).
Protein change: p.Phe254fs; shifts the reading frame from phenylalanine 254.
Molecular consequence: frameshift variant.
Genome position (GRCh38, 1-based): chr14:67,729,291, C duplicated; the last of 5 consecutive C bases (chr14:67,729,287-67,729,291); duplicating any one gives the same sequence. VCF-style (leftmost placement, unchanged base first): chr14-67729286-T-TC. GRCh37 (hg19) VCF-style: chr14-68196003-T-TC.
Other names: c.759dupC (NM_152443.3); short protein forms F254fs.
Identifiers: ClinVar variation 977814 (VCV000977814.24), dbSNP rs1594867516, ClinGen allele CA1139663523.

ClinVar aggregate classification (germline): Pathogenic/Likely pathogenic. Review status: criteria provided, multiple submitters, no conflicts (2 of 4 stars). 3 submissions from 3 submitters: Pathogenic (1); Likely pathogenic (1). 1 of the submissions does not count toward it. Last evaluated 2024-10-01.

Conditions:
Retinitis pigmentosa (RP). Identifiers: Orphanet 791, MedGen C0035334, MeSH D012174, MONDO:0019200, OMIM 268000. Inheritance: Autosomal dominant, autosomal recessive and X linked inheritance.
Leber congenital amaurosis 13 (LCA13). Identifiers: MedGen C2675186, MONDO:0012990, OMIM 612712.
Abnormality of the eye. Identifiers: MedGen C4316870, HP:0000478.

Submissions (3):

Lab De Baere, Eye and Developmental Genetics Lab, Ghent University
Classification: Pathogenic for Retinitis pigmentosa. Last evaluated: 2024-10-01. Review status: criteria provided, single submitter. Criteria: ACMG Guidelines, 2015. Collection method: research. Allele origin: inherited. Affected: yes. Observed: 2 variant alleles.
Comment: ACMG/AMP guidelines: PM2, PVS1, PP1_PM, PM3_2

Kariminejad - Najmabadi Pathology & Genetics Center
Classification: Likely pathogenic for Abnormality of the eye. Last evaluated: 2021-07-10. Review status: criteria provided, single submitter. Criteria: ACMG Guidelines, 2015. Collection method: clinical testing. Allele origin: germline. Affected: yes.

Laboratory of Genetics in Ophthalmology, Institut Imagine
Classification: Pathogenic for Leber congenital amaurosis 13. Review status: no assertion criteria provided. Collection method: research. Allele origin: inherited. Affected: yes. Observed: 1 variant allele. Not counted in ClinVar's aggregate classification.